The following is an entry in ClinVar:

ClinVar aggregate classification (germline): Uncertain significance (1 of 4 stars; one submission).

Conditions:
Hereditary cancer-predisposing syndrome. Also called: Hereditary Cancer Syndrome; Tumor predisposition; Hereditary neoplastic syndrome; Neoplastic Syndromes, Hereditary. Identifiers: Orphanet 140162, MedGen C0027672, MeSH D009386, MONDO:0015356.

Submission:

Ambry Genetics
Classification: Uncertain significance for Hereditary cancer-predisposing syndrome. Last evaluated: 2024-06-27. Review status: criteria provided, single submitter. Criteria: Ambry Variant Classification Scheme 2023. Collection method: clinical testing. Allele origin: germline.
Comment: The p.E103Q variant (also known as c.307G>C), located in coding exon 3 of the NF2 gene, results from a G to C substitution at nucleotide position 307. The glutamic acid at codon 103 is replaced by glutamine, an amino acid with highly similar properties. This amino acid position is conserved. In addition, this alteration is predicted to be deleterious by in silico analysis. Based on the available evidence, the clinical significance of this variant remains unclear.

NM_000268.4(NF2):c.307G>C (p.Glu103Gln)

Gene: NF2 (NF2, moesin-ezrin-radixin like (MERLIN) tumor suppressor; plus strand). Cytogenetic location: 22q12.2.
Variant type: single nucleotide variant.
Coding change: c.307G>C on transcript NM_000268.4 (MANE Select); coding-DNA position 307, G replaced by C.
Protein change: p.Glu103Gln; replaces glutamic acid 103 with glutamine.
Molecular consequence: missense variant. On other transcripts: 5 prime UTR variant (1), intron variant (8).
Genome position (GRCh38, 1-based): chr22:29,639,156, G>C. VCF-style: chr22-29639156-G-C. GRCh37 (hg19) VCF-style: chr22-30035145-G-C.
Other names: c.193G>C, p.Glu65Gln (NM_001407053.1, NM_001407056.1); c.181G>C, p.Glu61Gln (NM_001407055.1, NM_181828.3); c.307G>C, p.Glu103Gln (NM_001407057.1, NM_001407059.1, NM_001407060.1 and 5 more transcripts); c.-334G>C (NM_001407065.1); c.76G>C, p.Glu26Gln (NM_001407067.1); c.240+2280G>C (NM_001407058.1, NM_181829.3, NM_001407054.1 and 1 more transcripts); c.115-3046G>C (NM_001407063.1, NM_181830.3, NM_001407064.1 and 1 more transcripts); short protein forms E103Q, E61Q, E65Q, E26Q.
Identifiers: ClinVar variation 3404977 (VCV003404977.1).